The following is an entry in ClinVar:

NM_013447.4(ADGRE2):c.199+1G>T

Gene: ADGRE2 (adhesion G protein-coupled receptor E2; minus strand). Cytogenetic location: 19p13.12.
Variant type: single nucleotide variant.
Coding change: c.199+1G>T on transcript NM_013447.4 (MANE Select); the canonical splice donor site of the intron after coding-DNA position 199, G replaced by T.
Molecular consequence: splice donor variant.
Genome position (GRCh38, 1-based): chr19:14,773,937, C>A on the plus strand (G>T on the coding strand, the complement: ADGRE2 is on the minus strand). VCF-style: chr19-14773937-C-A. GRCh37 (hg19) VCF-style: chr19-14884749-C-A.
Other names: c.199+1G>T (NM_152917.2, NM_152916.2, NM_001271052.1).
Identifiers: ClinVar variation 1984821 (VCV001984821.4), dbSNP rs376730274, ClinGen allele CA9258275.

ClinVar aggregate classification (germline): Uncertain significance (1 of 4 stars; one submission).

Allele frequency attached by ClinVar (database versions not stated): ExAC 0.00002; gnomAD 0.00002; gnomAD exomes 0.00002; TOPMed 0.00002; ESP Exome Variant Server 0.00008.
gnomAD v4.1: 27 of 1,613,808 alleles (0.0017%); highest among the groups gnomAD compares: Non-Finnish European, 0.00042%; no homozygotes.

Submission:

Labcorp Genetics (formerly Invitae), Labcorp
Classification: Uncertain significance. Last evaluated: 2024-11-23. Review status: criteria provided, single submitter. Criteria: Invitae Variant Classification Sherloc (09022015). Collection method: clinical testing. Allele origin: germline.
Comment: This sequence change affects a donor splice site in intron 4 of the ADGRE2 gene. It is expected to disrupt RNA splicing. Variants that disrupt the donor or acceptor splice site typically lead to a loss of protein function (PMID: 16199547), however the current clinical and genetic evidence is not sufficient to establish whether loss-of-function variants in ADGRE2 cause disease. This variant is present in population databases (rs376730274, gnomAD 0.07%), and has an allele count higher than expected for a pathogenic variant. This variant has not been reported in the literature in individuals affected with ADGRE2-related conditions. ClinVar contains an entry for this variant (Variation ID: 1984821). Algorithms developed to predict the effect of sequence changes on RNA splicing suggest that this variant may disrupt the consensus splice site. In summary, the available evidence is currently insufficient to determine the role of this variant in disease. Therefore, it has been classified as a Variant of Uncertain Significance.

Literature cited by the submitters: PubMed 16199547.